The following is an entry in ClinVar:

ClinVar aggregate classification (germline): Likely benign. Review status: criteria provided, single submitter (1 of 4 stars). 2 submissions from 2 submitters: Likely benign (1). 1 of the submissions does not count toward it. Last evaluated 2023-12-01.

Conditions:
DST-related disorder. Also called: DST-related condition; DST-related disorders.

Allele frequency attached by ClinVar (database versions not stated): gnomAD 0.00013; ExAC 0.00014; TOPMed 0.00030.
gnomAD v4.1: 209 of 1,612,656 alleles (0.013%); highest among the groups gnomAD compares: Middle Eastern, 0.56%; 2 homozygotes.

Submissions (2):

CeGaT Center for Human Genetics Tuebingen
Classification: Likely benign. Last evaluated: 2023-12-01. Review status: criteria provided, single submitter. Criteria: CeGaT Center For Human Genetics Tuebingen Variant Classification Criteria Version 2. Collection method: clinical testing. Allele origin: germline. Affected: yes. Observed: 1 variant allele.
Comment: DST: BP4

PreventionGenetics, part of Exact Sciences
Classification: Likely benign for DST-related condition. Last evaluated: 2019-07-22. Review status: no assertion criteria provided. Collection method: clinical testing. Allele origin: germline. Not counted in ClinVar's aggregate classification.
Comment: This variant is classified as likely benign based on ACMG/AMP sequence variant interpretation guidelines (Richards et al. 2015 PMID: 25741868, with internal and published modifications).

NM_001374736.1(DST):c.418-8C>A

Genes: DST (dystonin; minus strand), DST-AS1 (DST antisense RNA 1; plus strand). Cytogenetic location: 6p12.1.
Variant type: single nucleotide variant.
Coding change: c.418-8C>A on transcript NM_001374736.1 (MANE Select); 8 bases into the intron before coding-DNA position 418, C replaced by A.
Molecular consequence: intron variant.
Genome position (GRCh38, 1-based): chr6:56,851,612, G>T on the plus strand (C>A on the coding strand, the complement: DST is on the minus strand). VCF-style: chr6-56851612-G-T. GRCh37 (hg19) VCF-style: chr6-56716410-G-T.
Other names: c.418-8C>A (NM_001144769.5, NM_001374722.1, NM_001144769.2); c.445-8C>A (NM_001374734.1); c.4-8C>A (NM_001144770.2).
Identifiers: ClinVar variation 3024922 (VCV003024922.23), dbSNP rs753504801, ClinGen allele CA3871978.